The following is an entry in ClinVar:

NM_004132.5(HABP2):c.957G>A (p.Lys319=)

Gene: HABP2 (hyaluronan binding protein 2; plus strand). Cytogenetic location: 10q25.3.
Variant type: single nucleotide variant.
Coding change: c.957G>A on transcript NM_004132.5 (MANE Select); coding-DNA position 957, G replaced by A.
Protein change: p.Lys319=; no amino-acid change (lysine 319 retained).
Molecular consequence: synonymous variant.
Genome position (GRCh38, 1-based): chr10:113,581,994, G>A. VCF-style: chr10-113581994-G-A. GRCh37 (hg19) VCF-style: chr10-115341753-G-A.
Other names: c.879G>A, p.Lys293= (NM_001177660.3).
Identifiers: ClinVar variation 298912 (VCV000298912.10), dbSNP rs2245056, ClinGen allele CA5693844.
Genomic context (GRCh38, chr10:113,581,994, plus strand): 5'-CTCCTGTGGAAAGACTGAGATAGCAGAGAGGAAGATCAAGAGAATCTATGGAGGCTTTAA[G>A]AGCACGGCGGGCAAGCACCCATGGCAGGCGTCCCTCCAGTCCTCGCTGCCTCTGACCATC-3'
Protein context (NP_004123.1, residues 309-329): RKIKRIYGGF[Lys319=]STAGKHPWQA

ClinVar aggregate classification (germline): Benign. Review status: criteria provided, multiple submitters, no conflicts (2 of 4 stars). 4 submissions from 4 submitters: Benign (3). 1 of the submissions does not count toward it. Last evaluated 2019-01-10.

Conditions:
HABP2-related disorder. Also called: HABP2-related condition.
Factor VII-activating protease marburg I. Identifiers: MedGen CN068943.

Allele frequency attached by ClinVar (database versions not stated): 1000 Genomes Project 0.37700; 1000 Genomes Project 30x 0.38101; ExAC 0.40036; gnomAD exomes 0.40597; gnomAD 0.41592 and 0.41977; ESP Exome Variant Server 0.41911; TOPMed 0.42457.
gnomAD v4.1: 665,428 of 1,613,650 alleles (41%); highest among the groups gnomAD compares: Admixed American, 50%; 138,638 homozygotes.

Submissions (4):

GeneDx
Classification: Benign. Last evaluated: 2019-01-10. Review status: criteria provided, single submitter. Criteria: GeneDx Variant Classification Process June 2021. Collection method: clinical testing. Allele origin: germline. Affected: yes.

Illumina Laboratory Services, Illumina
Classification: Benign for Factor VII Marburg I Variant Thrombophilia. Last evaluated: 2018-01-13. Review status: criteria provided, single submitter. Criteria: ICSL Variant Classification Criteria 13 December 2019. Collection method: clinical testing. Allele origin: germline.
Comment: This variant was observed in the ICSL laboratory as part of a predisposition screen in an ostensibly healthy population. It had not been previously curated by ICSL or reported in the Human Gene Mutation Database (HGMD: prior to June 1st, 2018), and was therefore a candidate for classification through an automated scoring system. Utilizing variant allele frequency, disease prevalence and penetrance estimates, and inheritance mode, an automated score was calculated to assess if this variant is too frequent to cause the disease. Based on the score and internal cut-off values, a variant classified as benign is not then subjected to further curation. The score for this variant resulted in a classification of benign for this disease.

Breakthrough Genomics
Classification: Benign. Review status: criteria provided, single submitter. Criteria: ACMG Guidelines, 2015. Collection method: not provided. Allele origin: germline. Inheritance: Autosomal dominant inheritance. Affected: yes.

PreventionGenetics, part of Exact Sciences
Classification: Benign for HABP2-related condition. Last evaluated: 2019-06-05. Review status: no assertion criteria provided. Collection method: clinical testing. Allele origin: germline. Not counted in ClinVar's aggregate classification.
Comment: This variant is classified as benign based on ACMG/AMP sequence variant interpretation guidelines (Richards et al. 2015 PMID: 25741868, with internal and published modifications).